The following is an entry in ClinVar:

NM_012464.5(TLL1):c.1782G>A (p.Leu594=)

Gene: TLL1 (tolloid like 1; plus strand). Cytogenetic location: 4q32.3.
Variant type: single nucleotide variant.
Coding change: c.1782G>A on transcript NM_012464.5 (MANE Select); coding-DNA position 1782, G replaced by A.
Protein change: p.Leu594=; no amino-acid change (leucine 594 retained).
Molecular consequence: synonymous variant.
Genome position (GRCh38, 1-based): chr4:166,057,245, G>A. VCF-style: chr4-166057245-G-A. GRCh37 (hg19) VCF-style: chr4-166978397-G-A.
Other names: c.1782G>A (NM_012464.4).
Identifiers: ClinVar variation 1297481 (VCV001297481.5), dbSNP rs139813698, ClinGen allele CA3131011.

ClinVar aggregate classification (germline): Likely benign. Review status: criteria provided, multiple submitters, no conflicts (2 of 4 stars). 4 submissions from 4 submitters: Likely benign (2). 2 of the submissions do not count toward it. Last evaluated 2025-10-24.

Conditions:
TLL1-related disorder. Also called: TLL1-related condition.

Allele frequency attached by ClinVar (database versions not stated): gnomAD 0.00054 and 0.00058; TOPMed 0.00055; gnomAD exomes 0.00064; 1000 Genomes Project 0.00020; 1000 Genomes Project 30x 0.00031; ExAC 0.00053; ESP Exome Variant Server 0.00054.
gnomAD v4.1: 1,719 of 1,613,968 alleles (0.11%); highest among the groups gnomAD compares: Non-Finnish European, 0.13%; 3 homozygotes.

Submissions (4):

PreventionGenetics, part of Exact Sciences
Classification: Likely benign for TLL1-related condition. Last evaluated: 2025-10-24. Review status: criteria provided, single submitter. Criteria: ACMG Guidelines, 2015. Collection method: clinical testing. Allele origin: germline.
Comment: This variant is classified as likely benign based on ACMG/AMP sequence variant interpretation guidelines (Richards et al. 2015 PMID: 25741868, with internal and published modifications).

Blueprint Genetics
Classification: Likely benign. Last evaluated: 2024-08-14. Review status: criteria provided, single submitter. Criteria: ACMG Guidelines, 2015. Collection method: clinical testing. Allele origin: germline.

Clinical Genetics DNA and cytogenetics Diagnostics Lab, Erasmus MC, Erasmus Medical Center
Classification: Likely benign. Review status: no assertion criteria provided. Collection method: clinical testing. Allele origin: germline. Affected: yes. Study: VKGL Data-share Consensus. Not counted in ClinVar's aggregate classification.

Joint Genome Diagnostic Labs from Nijmegen and Maastricht, Radboudumc and MUMC+
Classification: Likely benign. Review status: no assertion criteria provided. Collection method: clinical testing. Allele origin: germline. Affected: yes. Study: VKGL Data-share Consensus. Not counted in ClinVar's aggregate classification.